The following is an entry in ClinVar:

ClinVar aggregate classification (germline): Conflicting classifications of pathogenicity. Review status: criteria provided, conflicting classifications (1 of 4 stars). 2 submissions from 2 submitters: Uncertain significance (1); Likely benign (1). Last evaluated 2025-12-28.

Conditions:
Inborn genetic diseases. Identifiers: MedGen C0950123, MeSH D030342.

gnomAD v4.1: 15 of 1,612,202 alleles (0.00093%); highest among the groups gnomAD compares: Admixed American, 0.0084%; no homozygotes.

Submissions (2):

Labcorp Genetics (formerly Invitae), Labcorp
Classification: Likely benign. Last evaluated: 2025-12-28. Review status: criteria provided, single submitter. Criteria: Invitae Variant Classification Sherloc (09022015). Collection method: clinical testing. Allele origin: germline.

Ambry Genetics
Classification: Uncertain significance for Inborn genetic diseases. Last evaluated: 2022-01-12. Review status: criteria provided, single submitter. Criteria: Ambry Variant Classification Scheme 2023. Collection method: clinical testing. Allele origin: germline.
Comment: The c.4889G>T (p.R1630L) alteration is located in exon 29 (coding exon 29) of the CCDC88C gene. This alteration results from a G to T substitution at nucleotide position 4889, causing the arginine (R) at amino acid position 1630 to be replaced by a leucine (L). The CCDC88C c.4889G>T alteration was flagged as a low confidence call in the Genome Aggregation Database (gnomAD). This amino acid position is not well conserved in available vertebrate species. This alteration is predicted to be tolerated by in silico analysis. Based on insufficient or conflicting evidence, the clinical significance of this alteration remains unclear.

NM_001080414.4(CCDC88C):c.4889G>T (p.Arg1630Leu)

Gene: CCDC88C (coiled-coil and HOOK domain protein 88C; minus strand). Cytogenetic location: 14q32.11.
Variant type: single nucleotide variant.
Coding change: c.4889G>T on transcript NM_001080414.4 (MANE Select); coding-DNA position 4889, G replaced by T.
Protein change: p.Arg1630Leu; replaces arginine 1630 with leucine.
Molecular consequence: missense variant.
Genome position (GRCh38, 1-based): chr14:91,278,091, C>A on the plus strand (G>T on the coding strand, the complement: CCDC88C is on the minus strand). VCF-style: chr14-91278091-C-A. GRCh37 (hg19) VCF-style: chr14-91744435-C-A.
Other names: short protein forms R1630L.
Identifiers: ClinVar variation 2049922 (VCV002049922.5), dbSNP rs115510695, ClinGen allele CA265523969.